The following is an entry in ClinVar:

NM_001035.3(RYR2):c.12340C>G (p.Arg4114Gly)

Gene: RYR2 (ryanodine receptor 2; plus strand). Cytogenetic location: 1q43.
Variant type: single nucleotide variant.
Coding change: c.12340C>G on transcript NM_001035.3 (MANE Select); coding-DNA position 12340, C replaced by G.
Protein change: p.Arg4114Gly; replaces arginine 4114 with glycine.
Molecular consequence: missense variant.
Genome position (GRCh38, 1-based): chr1:237,784,052, C>G. VCF-style: chr1-237784052-C-G. GRCh37 (hg19) VCF-style: chr1-237947352-C-G.
Other names: short protein forms R4114G.
Identifiers: ClinVar variation 1806282 (VCV001806282.2), dbSNP rs1430428297, ClinGen allele CA345413004.

ClinVar aggregate classification (germline): Uncertain significance. Review status: criteria provided, multiple submitters, no conflicts (2 of 4 stars). 2 submissions from 2 submitters: Uncertain significance (2). Last evaluated 2022-07-15.

Conditions:
Catecholaminergic polymorphic ventricular tachycardia 1. Also called: VENTRICULAR TACHYCARDIA, CATECHOLAMINERGIC POLYMORPHIC, 1, WITH OR WITHOUT ATRIAL DYSFUNCTION AND/OR DILATED CARDIOMYOPATHY; RYR2-Related Catecholaminergic Polymorphic Ventricular Tachycardia; VENTRICULAR TACHYCARDIA, STRESS-INDUCED POLYMORPHIC 1. Identifiers: Orphanet 3286, MedGen C1631597, MONDO:0011484, OMIM 604772.

Submissions (2):

Blueprint Genetics
Classification: Uncertain significance. Last evaluated: 2022-07-15. Review status: criteria provided, single submitter. Criteria: ACMG Guidelines, 2015. Collection method: clinical testing. Allele origin: germline.

Victorian Clinical Genetics Services, Murdoch Childrens Research Institute
Classification: Uncertain significance for Catecholaminergic polymorphic ventricular tachycardia 1. Last evaluated: 2020-05-25. Review status: criteria provided, single submitter. Criteria: ACMG Guidelines, 2015. Collection method: clinical testing. Allele origin: germline. Inheritance: Autosomal dominant inheritance. Affected: yes.
Comment: Based on the classification scheme VCGS_Germline_v1.1.1, this variant is classified as 3A-VUS. Following criteria are met: 0101 - Gain-of-function is a known mechanism of disease for this gene (PMID:29477366). (N) 0107 - This gene is known to be associated with autosomal dominant disease. (N) 0112 - Variants in this gene are known to have reduced penetrance (OMIM). (N) 0200 - Variant is predicted to result in a missense amino acid change from arginine to glycine (exon 90). (N) 0251 - Variant is heterozygous. (N) 0301 - Variant is absent from gnomAD. (P) 0501 - Missense variant consistently predicted to be damaging by multiple in-silico tools or highly conserved with a major amino acid change. (P) 0602 - Variant is located in a hotspot region or cluster of pathogenic variants (PMID:1992601). (P) 0705 - No comparable variants have previous evidence for pathogenicity. (N) 0807 - Variant has not previously been reported in a clinical context. (N) 0905 - No segregation evidence has been identified for this variant. (N) 1007 - No published functional evidence has been identified for this variant. (N) 1208 - Inheritance information for this variant is not currently available. (N) Legend: (P) - Pathogenic, (N) - Neutral, (B) - Benign

Literature cited by the submitters: PubMed 1992601 (cited by Victorian Clinical Genetics Services, Murdoch Childrens Research Institute); PubMed 29477366 (cited by Victorian Clinical Genetics Services, Murdoch Childrens Research Institute).